The following is an entry in ClinVar:

NM_015294.6(TRIM37):c.1281_1282dup (p.Ser428fs)

Gene: TRIM37 (tripartite motif containing 37; minus strand). Cytogenetic location: 17q22.
Variant type: Duplication.
Coding change: c.1281_1282dup on transcript NM_015294.6 (MANE Select); coding-DNA positions 1281 to 1282, 2 bases duplicated (TA; older notation c.1281_1282dupTA).
Protein change: p.Ser428fs; shifts the reading frame from serine 428.
Molecular consequence: frameshift variant. On other transcripts: non-coding transcript variant (2).
Genome position (GRCh38, 1-based): chr17:59,051,246-59,051,247, TA duplicated on the plus strand (TA on the coding strand, the reverse complement: TRIM37 is on the minus strand). VCF-style (leftmost placement, unchanged base first): chr17-59051245-C-CTA. GRCh37 (hg19) VCF-style: chr17-57128606-C-CTA.
Other names: c.1179_1180dup, p.Ser394fs (NM_001320987.3, NM_001353082.2); c.1281_1282dup, p.Ser428fs (NM_001320988.3, NM_001320989.3, NM_001353084.2 and 1 more transcripts); c.915_916dup, p.Ser306fs (NM_001320990.3); c.546_547dup, p.Ser183fs (NM_001353083.2); c.819_820dup, p.Ser274fs (NM_001353085.2); c.1230_1231dup, p.Ser411fs (NM_001353086.2); short protein forms S183fs, S274fs, S306fs, S394fs, S411fs, S428fs.
Identifiers: ClinVar variation 5036931 (VCV005036931.1).

ClinVar aggregate classification (germline): Likely pathogenic (1 of 4 stars; one submission).

Submission:

GeneDx
Classification: Likely pathogenic. Last evaluated: 2026-04-26. Review status: criteria provided, single submitter. Criteria: GeneDx Variant Classification Process June 2021. Collection method: clinical testing. Allele origin: germline.
Comment: Frameshift variant predicted to result in protein truncation or nonsense mediated decay in a gene for which loss of function is a known mechanism of disease; Not observed at significant frequency in large population cohorts (gnomAD); Has not been previously published as pathogenic or benign to our knowledge